The following is an entry in ClinVar:

NM_000548.5(TSC2):c.4527C>T (p.Phe1509=)

Gene: TSC2 (TSC complex subunit 2; plus strand). Cytogenetic location: 16p13.3.
Variant type: single nucleotide variant.
Coding change: c.4527C>T on transcript NM_000548.5 (MANE Select); coding-DNA position 4527, C replaced by T.
Protein change: p.Phe1509=; no amino-acid change (phenylalanine 1509 retained).
Molecular consequence: synonymous variant. On other transcripts: non-coding transcript variant (5).
Genome position (GRCh38, 1-based): chr16:2,084,984, C>T. VCF-style: chr16-2084984-C-T. GRCh37 (hg19) VCF-style: chr16-2134985-C-T.
Other names: c.4326C>T, p.Phe1442= (NM_001077183.3); c.4458C>T, p.Phe1486= (NM_001114382.3); c.4218C>T, p.Phe1406= (NM_001318827.2); c.4182C>T, p.Phe1394= (NM_001318829.2); c.3795C>T, p.Phe1265= (NM_001318831.2); c.4359C>T, p.Phe1453= (NM_001318832.2); c.4329C>T, p.Phe1443= (NM_001363528.2); c.4395C>T, p.Phe1465= (NM_001370404.1); and 26 more.
Identifiers: ClinVar variation 2449981 (VCV002449981.3), dbSNP rs775919951, ClinGen allele CA051511.

ClinVar aggregate classification (germline): Benign/Likely benign. Review status: criteria provided, multiple submitters, no conflicts (2 of 4 stars). 2 submissions from 2 submitters: Benign (1); Likely benign (1). Last evaluated 2025-06-04.

Conditions:
Tuberous sclerosis 2 (TSC2). Identifiers: Orphanet 805, MedGen C1860707, MONDO:0013199, OMIM 613254.
Hereditary cancer-predisposing syndrome. Also called: Hereditary neoplastic syndrome; Tumor predisposition; Neoplastic Syndromes, Hereditary; Hereditary Cancer Syndrome. Identifiers: Orphanet 140162, MedGen C0027672, MeSH D009386, MONDO:0015356.

Allele frequency attached by ClinVar (database versions not stated): ExAC 0.00001.
gnomAD v4.1: 1 of 1,612,134 alleles (0.000062%); highest among the groups gnomAD compares: South Asian, 0.0011%; no homozygotes.

Submissions (2):

Myriad Genetics, Inc.
Classification: Benign for Tuberous sclerosis 2. Last evaluated: 2025-06-04. Review status: criteria provided, single submitter. Criteria: Myriad Autosomal Dominant, Autosomal Recessive and X-Linked Classification Criteria (2023). Collection method: clinical testing. Allele origin: unknown.
Comment: This variant is considered benign. This variant is a silent/synonymous amino acid change and it is not expected to impact splicing.

Ambry Genetics
Classification: Likely benign for Hereditary cancer-predisposing syndrome. Last evaluated: 2023-01-25. Review status: criteria provided, single submitter. Criteria: Ambry Variant Classification Scheme 2023. Collection method: clinical testing. Allele origin: germline.